The following is an entry in ClinVar:

ClinVar aggregate classification (germline): Likely pathogenic (1 of 4 stars; one submission).

Conditions:
Childhood apraxia of speech (SPCH1). Also called: FOXP2-Related Speech and Language Disorder; Speech language disorder; DEVELOPMENTAL VERBAL DYSPRAXIA; SPEECH AND LANGUAGE DISORDER WITH OROFACIAL DYSPRAXIA. Identifiers: Orphanet 209908, MedGen C0750927, MONDO:0011184, OMIM 602081.

Submission:

Groupe Hospitalier Pitie Salpetriere, Uf Genomique Du Developpement, Assistance Publique Hopitaux de Paris Sorbonne Université
Classification: Likely pathogenic for Speech-language disorder-1. Last evaluated: 2017-01-06. Review status: criteria provided, single submitter. Criteria: ACMG Guidelines, 2015. Collection method: clinical testing. Allele origin: de novo. Affected: yes. Observed: 1 variant allele.
Comment: learning difficulties

Literature cited by the submitters: PubMed 28708303.

NM_014491.4(FOXP2):c.1769+2T>C

Gene: FOXP2 (forkhead box P2; plus strand). Cytogenetic location: 7q31.1.
Variant type: single nucleotide variant.
Coding change: c.1769+2T>C on transcript NM_014491.4 (MANE Select); the canonical splice donor site of the intron after coding-DNA position 1769, T replaced by C.
Molecular consequence: splice donor variant.
Genome position (GRCh38, 1-based): chr7:114,662,188, T>C. VCF-style: chr7-114662188-T-C. GRCh37 (hg19) VCF-style: chr7-114302243-T-C.
Other names: c.1844+2T>C (NM_148898.4); c.1820+2T>C (NM_148900.4); c.1766+2T>C (NM_001172766.3).
Identifiers: ClinVar variation 431153 (VCV000431153.3), dbSNP rs1135401820, ClinGen allele CA368966031.